The following is an entry in ClinVar:

ClinVar aggregate classification (germline): Uncertain significance (1 of 4 stars; one submission).

Conditions:
Hereditary spastic paraplegia 6 (SPG6). Also called: SPASTIC PARAPLEGIA 6, AUTOSOMAL DOMINANT. Identifiers: Orphanet 100988, MedGen C1838192, MONDO:0010878, OMIM 600363.

Submission:

Labcorp Genetics (formerly Invitae), Labcorp
Classification: Uncertain significance for Hereditary spastic paraplegia 6. Last evaluated: 2022-08-15. Review status: criteria provided, single submitter. Criteria: Invitae Variant Classification Sherloc (09022015). Collection method: clinical testing. Allele origin: germline.
Comment: In summary, the available evidence is currently insufficient to determine the role of this variant in disease. Therefore, it has been classified as a Variant of Uncertain Significance. Algorithms developed to predict the effect of sequence changes on RNA splicing suggest that this variant is not likely to affect RNA splicing. ClinVar contains an entry for this variant (Variation ID: 1375588). This variant has not been reported in the literature in individuals affected with NIPA1-related conditions. This variant is not present in population databases (gnomAD no frequency). This sequence change affects codon 159 of the NIPA1 mRNA. It is a 'silent' change, meaning that it does not change the encoded amino acid sequence of the NIPA1 protein. It affects a nucleotide within the consensus splice site.

NM_144599.5(NIPA1):c.477A>G (p.Pro159=)

Gene: NIPA1 (NIPA magnesium transporter 1; plus strand). Cytogenetic location: 15q11.2.
Variant type: single nucleotide variant.
Coding change: c.477A>G on transcript NM_144599.5 (MANE Select); coding-DNA position 477, A replaced by G.
Protein change: p.Pro159=; no amino-acid change (proline 159 retained).
Molecular consequence: synonymous variant.
Genome position (GRCh38, 1-based): chr15:22,820,472, A>G. VCF-style: chr15-22820472-A-G. GRCh37 (hg19) VCF-style: chr15-23052596-T-C.
Other names: c.252A>G, p.Pro84= (NM_001142275.1).
Identifiers: ClinVar variation 1375588 (VCV001375588.6), dbSNP rs2140875018, ClinGen allele CA488767180.